The following is an entry in ClinVar:

ClinVar aggregate classification (germline): Conflicting classifications of pathogenicity. Review status: criteria provided, conflicting classifications (1 of 4 stars). 11 submissions from 11 submitters: Uncertain significance (4); Likely benign (4). 3 of the submissions do not count toward it. Last evaluated 2026-02-04.

Conditions:
Methylmalonic aciduria due to complete methylmalonyl-CoA mutase deficiency.
MMUT-related disorder. Also called: MMUT-related condition.
Methylmalonic aciduria due to methylmalonyl-CoA mutase deficiency (MAMM). Also called: Methylmalonic aciduria, mut type. Identifiers: Orphanet 27, MedGen C1855114, MONDO:0009612, OMIM 251000.

Allele frequency attached by ClinVar (database versions not stated): 1000 Genomes Project 30x 0.00047; 1000 Genomes Project 0.00060; TOPMed 0.00187; gnomAD exomes 0.00202 and 0.00266; ExAC 0.00204; gnomAD 0.00234 and 0.00243; ESP Exome Variant Server 0.00300.
gnomAD v4.1: 4,204 of 1,614,184 alleles (0.26%); highest among the groups gnomAD compares: Non-Finnish European, 0.31%; 15 homozygotes.

Submissions (11):

Labcorp Genetics (formerly Invitae), Labcorp
Classification: Likely benign. Last evaluated: 2026-02-04. Review status: criteria provided, single submitter. Criteria: Invitae Variant Classification Sherloc (09022015). Collection method: clinical testing. Allele origin: germline.

Women's Health and Genetics/Laboratory Corporation of America, LabCorp
Classification: Likely benign. Last evaluated: 2025-11-17. Review status: criteria provided, single submitter. Criteria: LabCorp Variant Classification Summary - May 2015. Collection method: clinical testing. Allele origin: germline.
Comment: Variant summary: MMUT c.205A>G (p.Ile69Val) results in a conservative amino acid change in the encoded protein sequence. Algorithms developed to predict the effect of missense changes on protein structure and function are either unavailable or do not agree on the potential impact of this missense change. The variant allele was found at a frequency of 0.0021 in 282866 control chromosomes in the gnomAD database, including 2 homozygotes. This frequency is not significantly higher than estimated for disease-causing variants in MMUT, allowing no conclusion about variant significance. ClinVar contains an entry for this variant (Variation ID: 235300). Based on the evidence outlined above, the variant was classified as likely benign.

Blueprint Genetics
Classification: Likely benign. Last evaluated: 2024-11-19. Review status: criteria provided, single submitter. Criteria: ACMG Guidelines, 2015. Collection method: clinical testing. Allele origin: germline.

Mayo Clinic Laboratories, Mayo Clinic
Classification: Uncertain significance. Last evaluated: 2022-01-04. Review status: criteria provided, single submitter. Criteria: ACMG Guidelines, 2015. Collection method: clinical testing. Allele origin: germline.

GeneDx
Classification: Likely benign. Last evaluated: 2018-05-25. Review status: criteria provided, single submitter. Criteria: GeneDx Variant Classification (06012015). Collection method: clinical testing. Allele origin: germline. Affected: yes.
Comment: This variant is considered likely benign or benign based on one or more of the following criteria: it is a conservative change, it occurs at a poorly conserved position in the protein, it is predicted to be benign by multiple in silico algorithms, and/or has population frequency not consistent with disease.

Illumina Laboratory Services, Illumina
Classification: Uncertain significance for Methylmalonic aciduria due to methylmalonyl-CoA mutase deficiency. Last evaluated: 2017-04-27. Review status: criteria provided, single submitter. Criteria: ICSL Variant Classification Criteria 13 December 2019. Collection method: clinical testing. Allele origin: germline.
Comment: This variant was observed as part of a predisposition screen in an ostensibly healthy population. A literature search was performed for the gene, cDNA change, and amino acid change (where applicable). Publications were found based on this search. However, the evidence from the literature, in combination with allele frequency data from public databases where available, was not sufficient to rule this variant in or out of causing disease. Therefore, this variant is classified as a variant of unknown significance.

Eurofins Ntd Llc (ga)
Classification: Uncertain significance. Last evaluated: 2015-07-08. Review status: criteria provided, single submitter. Criteria: EGL Classification Definitions 2015. Collection method: clinical testing. Allele origin: germline. Observed: 3 variant alleles, 3 heterozygotes.

Center for Pediatric Genomic Medicine, Children's Mercy Hospital and Clinics
Classification: Uncertain significance. Last evaluated: 2015-02-03. Review status: criteria provided, single submitter. Criteria: ACMG Guidelines, 2015. Collection method: clinical testing. Allele origin: germline.
ClinVar note: Converted during submission from Uncertain Significance to Uncertain significance.

PreventionGenetics, part of Exact Sciences
Classification: Likely benign for MMUT-related condition. Last evaluated: 2020-05-19. Review status: no assertion criteria provided. Collection method: clinical testing. Allele origin: germline. Not counted in ClinVar's aggregate classification.
Comment: This variant is classified as likely benign based on ACMG/AMP sequence variant interpretation guidelines (Richards et al. 2015 PMID: 25741868, with internal and published modifications).

Natera, Inc.
Classification: Benign for Methylmalonic aciduria due to complete methylmalonyl-CoA mutase deficiency. Last evaluated: 2019-12-31. Review status: no assertion criteria provided. Collection method: clinical testing. Allele origin: germline. Not counted in ClinVar's aggregate classification.

Department of Pathology and Laboratory Medicine, Sinai Health System
Classification: Uncertain significance. Review status: no assertion criteria provided. Collection method: clinical testing. Allele origin: unknown. Affected: yes. Study: The Canadian Open Genetics Repository (COGR). Not counted in ClinVar's aggregate classification.
Comment: The MUT p.Ile69Val variant was identified in dbSNP (ID: rs115923556), LOVD 3.0, ClinVar (classified as likely benign by Invitae and as a VUS by EGL Genetics and Center for Pediatric Genomic Medicine, Children's Mercy Hospital and Clinics) and Cosmic (FATHMM predicted pathogenic; score=0.91). The variant was also identified in control databases in 602 of 282866 chromosomes (2 homozygous) at a frequency of 0.002128 increasing the likelihood this could be a low frequency benign variant (Genome Aggregation Database Feb 27, 2017). The variant was observed in the following populations: European (non-Finnish) in 458 of 129172 chromosomes (freq: 0.003546), European (Finnish) in 85 of 25120 chromosomes (freq: 0.003384), Other in 15 of 7228 chromosomes (freq: 0.002075), African in 14 of 24968 chromosomes (freq: 0.000561), South Asian in 16 of 30616 chromosomes (freq: 0.000523) and Latino in 14 of 35440 chromosomes (freq: 0.000395), while the variant was not observed in the Ashkenazi Jewish and East Asian populations. The I69V variant was identified in 1/25 patients with isolated methylmalonic acidemia (freq=0.02) but was suggested to be a polymorphism (Martinez_2005_PMID:15781192). This variant was also identified in the heterozygous state in 1/160 cell lines from patients with the mitochondrial enzyme methylmalonyl CoA mutase (MCM) deficiency (freq=0.003) but was also suggested to be a polymorphism (Worgan_2006_PMID:16281286). The p.Ile69 residue is conserved in mammals and computational analyses (PolyPhen-2, SIFT, AlignGVGD, BLOSUM, MutationTaster) provide inconsistent predictions regarding the impact to the protein; this information is not very predictive of pathogenicity. The variant occurs outside of the splicing consensus sequence and in silico or computational prediction software programs (SpliceSiteFinder, MaxEntScan, NNSPLICE, GeneSplicer) do not predict a difference in splicing. In summary, based on the above information the clinical significance of this variant cannot be determined with certainty at this time. This variant is classified as a variant of uncertain significance.

Literature cited by the submitters: PubMed 15781192 (cited by Illumina Laboratory Services, Illumina).

NM_000255.4(MMUT):c.205A>G (p.Ile69Val)

Gene: MMUT (methylmalonyl-CoA mutase; minus strand). Cytogenetic location: 6p12.3.
Variant type: single nucleotide variant.
Coding change: c.205A>G on transcript NM_000255.4 (MANE Select); coding-DNA position 205, A replaced by G.
Protein change: p.Ile69Val; replaces isoleucine 69 with valine.
Molecular consequence: missense variant.
Genome position (GRCh38, 1-based): chr6:49,459,262, T>C on the plus strand (A>G on the coding strand, the complement: MMUT is on the minus strand). VCF-style: chr6-49459262-T-C. GRCh37 (hg19) VCF-style: chr6-49426975-T-C.
Other names: short protein forms I69V.
Identifiers: ClinVar variation 235300 (VCV000235300.32), dbSNP rs115923556, ClinGen allele CA3847163.